The following is an entry in ClinVar:

NM_201548.5(CERKL):c.677+618_677+641del

Gene: CERKL (CERK like autophagy regulator; minus strand). Cytogenetic location: 2q31.3.
Variant type: Deletion.
Coding change: c.677+618_677+641del on transcript NM_201548.5 (MANE Select); bases 618 to 641 of the intron after coding-DNA position 677, 24 bases deleted (GAACCAAGGCAAGTGATATAAATT).
Molecular consequence: intron variant. On other transcripts: splice donor variant (2).
Genome position (GRCh38, 1-based): chr2:181,565,417-181,565,440, AATTTATATCACTTGCCTTGGTTC deleted on the plus strand (GAACCAAGGCAAGTGATATAAATT on the coding strand, the reverse complement: CERKL is on the minus strand). VCF-style (leftmost placement, unchanged base first): chr2-181565416-AAATTTATATCACTTGCCTTGGTTC-A. GRCh37 (hg19) VCF-style: chr2-182430143-AAATTTATATCACTTGCCTTGGTTC-A.
Other names: c.482-15732_482-15709del (NM_001030312.3); c.616_623+16del (NM_001160277.2); c.613+8313_613+8336del (NM_001030313.3); c.748_755+16del (NM_001030311.3).
Identifiers: ClinVar variation 3646357 (VCV003646357.2).

ClinVar aggregate classification (germline): Likely pathogenic (1 of 4 stars; one submission).

Submission:

Labcorp Genetics (formerly Invitae), Labcorp
Classification: Likely pathogenic. Last evaluated: 2024-03-16. Review status: criteria provided, single submitter. Criteria: Invitae Variant Classification Sherloc (09022015). Collection method: clinical testing. Allele origin: germline.
Comment: This variant results in the deletion of part of exon 5 (c.748_755+16del) of the CERKL gene. It is expected to disrupt RNA splicing. Variants that disrupt the donor or acceptor splice site typically lead to a loss of protein function (PMID: 16199547), and loss-of-function variants in CERKL are known to be pathogenic (PMID: 14681825, 23591405, 24043777). This variant is not present in population databases (gnomAD no frequency). This variant has not been reported in the literature in individuals affected with CERKL-related conditions. In summary, the currently available evidence indicates that the variant is pathogenic, but additional data are needed to prove that conclusively. Therefore, this variant has been classified as Likely Pathogenic.

Literature cited by the submitters: PubMed 16199547; PubMed 14681825; PubMed 23591405; PubMed 24043777.